The following is an entry in ClinVar:

ClinVar aggregate classification (germline): Uncertain significance (1 of 4 stars; one submission).

gnomAD v4.1: 5 of 1,614,160 alleles (0.00031%); highest among the groups gnomAD compares: South Asian, 0.0055%; no homozygotes.

Submission:

GeneDx
Classification: Uncertain significance. Last evaluated: 2024-02-07. Review status: criteria provided, single submitter. Criteria: GeneDx Variant Classification Process June 2021. Collection method: clinical testing. Allele origin: germline. Affected: yes.
Comment: Not observed at significant frequency in large population cohorts (gnomAD); In silico analysis supports that this missense variant does not alter protein structure/function; Has not been previously published as pathogenic or benign to our knowledge

NM_016011.5(MECR):c.661A>C (p.Ile221Leu)

Gene: MECR (mitochondrial trans-2-enoyl-CoA reductase; minus strand). Cytogenetic location: 1p35.3.
Variant type: single nucleotide variant.
Coding change: c.661A>C on transcript NM_016011.5 (MANE Select); coding-DNA position 661, A replaced by C.
Protein change: p.Ile221Leu; replaces isoleucine 221 with leucine.
Molecular consequence: missense variant. On other transcripts: non-coding transcript variant (4).
Genome position (GRCh38, 1-based): chr1:29,202,038, T>G on the plus strand (A>C on the coding strand, the complement: MECR is on the minus strand). VCF-style: chr1-29202038-T-G. GRCh37 (hg19) VCF-style: chr1-29528550-T-G.
Other names: c.433A>C, p.Ile145Leu (NM_001024732.4, NM_001349711.2, NM_001349712.2 and 2 more transcripts); c.766A>C, p.Ile256Leu (NM_001349715.2); c.745A>C, p.Ile249Leu (NM_001349716.2); c.511A>C, p.Ile171Leu (NM_001349717.2); short protein forms I145L, I171L, I221L, I249L, I256L.
Identifiers: ClinVar variation 3368723 (VCV003368723.1).
Genomic context (GRCh38, chr1:29,202,038, plus strand): 5'-CCTCTTCTGTGATGACATGCTCAGCCCCCAGACTCTTCAGTCTGTCACTCAGCTTCTGGA[T>G]ATCAGGTCTGGAAACCAAACATAGGTCCCTGGTCACATCTGCCAGCTTTTTCCACCAAAG-3'
Protein context (NP_057095.4, residues 211-231): TINVVRDRPD[Ile221Leu]QKLSDRLKSL